The following is an entry in ClinVar:

ClinVar aggregate classification (germline): Likely pathogenic (0 of 4 stars; one submission).

Conditions:
NOTCH2-related disorder. Also called: NOTCH2-related condition.

Submission:

PreventionGenetics, part of Exact Sciences
Classification: Likely pathogenic for NOTCH2-related condition. Last evaluated: 2024-01-11. Review status: no assertion criteria provided. Collection method: clinical testing. Allele origin: germline.
Comment: The NOTCH2 c.7090C>T variant is predicted to result in premature protein termination (p.Gln2364*). To our knowledge, this variant has not been reported in the literature or in a large population database, indicating this variant is rare. Nonsense variants in NOTCH2 are expected to be pathogenic. This variant is interpreted as likely pathogenic. Of note, this variant has been reported as a somatic variant in a whole exome sequencing study of microdissected splenic marginal zone lymphoma (Peveling-Oberhag et al. 2015. PubMed ID: 26498442).

NM_024408.4(NOTCH2):c.7090C>T (p.Gln2364Ter)

Gene: NOTCH2 (notch receptor 2; minus strand). Cytogenetic location: 1p12.
Variant type: single nucleotide variant.
Coding change: c.7090C>T on transcript NM_024408.4 (MANE Select); coding-DNA position 7090, C replaced by T.
Protein change: p.Gln2364Ter; replaces glutamine 2364 with a stop codon.
Molecular consequence: nonsense.
Genome position (GRCh38, 1-based): chr1:119,915,632, G>A on the plus strand (C>T on the coding strand, the complement: NOTCH2 is on the minus strand). VCF-style: chr1-119915632-G-A. GRCh37 (hg19) VCF-style: chr1-120458255-G-A.
Other names: short protein forms Q2364*.
Identifiers: ClinVar variation 3049088 (VCV003049088.2), dbSNP rs2526103665, ClinGen allele CA341873560.